The following is an entry in ClinVar:

ClinVar aggregate classification (germline): Pathogenic (1 of 4 stars; one submission).

Conditions:
Cutis laxa, autosomal recessive, type 1B (ARCL1B). Also called: EFEMP2-Related Cutis Laxa; CUTIS LAXA, AUTOSOMAL RECESSIVE, TYPE IB. Identifiers: Orphanet 90349, MedGen C3280798, MONDO:0013754, OMIM 614437. Disease mechanism: loss of function.

Submission:

Labcorp Genetics (formerly Invitae), Labcorp
Classification: Pathogenic for Cutis laxa, autosomal recessive, type 1B. Last evaluated: 2019-08-24. Review status: criteria provided, single submitter. Criteria: Invitae Variant Classification Sherloc (09022015). Collection method: clinical testing. Allele origin: germline.
Comment: For these reasons, this variant has been classified as Pathogenic. Loss-of-function variants in EFEMP2 are known to be pathogenic (PMID: 17937443). This variant has not been reported in the literature in individuals with EFEMP2-related conditions. This variant is not present in population databases (ExAC no frequency). This sequence change creates a premature translational stop signal (p.Cys287*) in the EFEMP2 gene. It is expected to result in an absent or disrupted protein product.

Literature cited by the submitters: PubMed 17937443.

NM_016938.5(EFEMP2):c.861T>A (p.Cys287Ter)

Gene: EFEMP2 (EGF-like fibulin extracellular matrix protein 2; minus strand). Cytogenetic location: 11q13.1.
Variant type: single nucleotide variant.
Coding change: c.861T>A on transcript NM_016938.5 (MANE Select); coding-DNA position 861, T replaced by A.
Protein change: p.Cys287Ter; replaces cysteine 287 with a stop codon.
Molecular consequence: nonsense. On other transcripts: non-coding transcript variant (1).
Genome position (GRCh38, 1-based): chr11:65,868,408, A>T on the plus strand (T>A on the coding strand, the complement: EFEMP2 is on the minus strand). VCF-style: chr11-65868408-A-T. GRCh37 (hg19) VCF-style: chr11-65635879-A-T.
Other names: short protein forms C287*.
Identifiers: ClinVar variation 937224 (VCV000937224.7), dbSNP rs1044449024, ClinGen allele CA381353989.